The following is an entry in ClinVar:

NM_018699.4(PRDM5):c.65G>A (p.Gly22Glu)

Gene: PRDM5 (PR/SET domain 5; minus strand). Cytogenetic location: 4q27.
Variant type: single nucleotide variant.
Coding change: c.65G>A on transcript NM_018699.4 (MANE Select); coding-DNA position 65, G replaced by A.
Protein change: p.Gly22Glu; replaces glycine 22 with glutamic acid.
Molecular consequence: missense variant.
Genome position (GRCh38, 1-based): chr4:120,922,544, C>T on the plus strand (G>A on the coding strand, the complement: PRDM5 is on the minus strand). VCF-style: chr4-120922544-C-T. GRCh37 (hg19) VCF-style: chr4-121843699-C-T.
Other names: c.65G>A, p.Gly22Glu (NM_001300823.2, NM_001300824.2, NM_001379104.1 and 1 more transcripts); short protein forms G22E.
Identifiers: ClinVar variation 4614749 (VCV004614749.1).
Genomic context (GRCh38, chr4:120,922,544, plus strand): 5'-AGGGGCGCGCAGGCCGCCGCCGGGTCACCCACCTTTCGCACTCTGCGGGCCGTGTAGAGC[C>T]CCATGCCGTCCTGAACCCGGGAGGACTTCAGGGAGAACCTGTCCGGCACGTACATGCCCA-3'
Protein context (NP_061169.2, residues 12-32): LKSSRVQDGM[Gly22Glu]LYTARRVRKG

ClinVar aggregate classification (germline): Uncertain significance (1 of 4 stars; one submission).

Conditions:
Cardiovascular phenotype. Identifiers: MedGen CN230736.

Submission:

Ambry Genetics
Classification: Uncertain significance for Cardiovascular phenotype. Last evaluated: 2025-10-27. Review status: criteria provided, single submitter. Criteria: Ambry Variant Classification Scheme 2023. Collection method: clinical testing. Allele origin: germline.
Comment: The p.G22E variant (also known as c.65G>A), located in coding exon 1 of the PRDM5 gene, results from a G to A substitution at nucleotide position 65. The glycine at codon 22 is replaced by glutamic acid, an amino acid with similar properties. This amino acid position is conserved. In addition, the in silico prediction for this alteration is inconclusive. Based on the available evidence, the clinical significance of this variant remains unclear.